The following is an entry in ClinVar:

NM_000051.4(ATM):c.4662C>A (p.Asn1554Lys)

Gene: ATM (ATM serine/threonine kinase; plus strand). Cytogenetic location: 11q22.3.
Variant type: single nucleotide variant.
Coding change: c.4662C>A on transcript NM_000051.4 (MANE Select); coding-DNA position 4662, C replaced by A.
Protein change: p.Asn1554Lys; replaces asparagine 1554 with lysine.
Molecular consequence: missense variant.
Genome position (GRCh38, 1-based): chr11:108,293,363, C>A. VCF-style: chr11-108293363-C-A. GRCh37 (hg19) VCF-style: chr11-108164090-C-A.
Other names: c.4662C>A, p.Asn1554Lys (NM_001351834.2); short protein forms N1554K.
Identifiers: ClinVar variation 453533 (VCV000453533.15), dbSNP rs776761757, ClinGen allele CA6265525.
Genomic context (GRCh38, chr11:108,293,363, plus strand): 5'-TTATATTTAGGTATTGGACTTGTTGAAATACTTAGTGATAGATAACAAGGATAATGAAAA[C>A]CTCTATATCACGATTAAGCTTTTAGATCCTTTTCCTGACCATGTTGTTTTTAAGGATTTG-3'
Protein context (NP_000042.3, residues 1544-1564): YLVIDNKDNE[Asn1554Lys]LYITIKLLDP

ClinVar aggregate classification (germline): Uncertain significance. Review status: criteria provided, multiple submitters, no conflicts (2 of 4 stars). 5 submissions from 5 submitters: Uncertain significance (4). 1 of the submissions does not count toward it. Last evaluated 2025-03-04.

Conditions:
Hereditary cancer-predisposing syndrome. Also called: Tumor predisposition; Hereditary Cancer Syndrome; Neoplastic Syndromes, Hereditary; Hereditary neoplastic syndrome. Identifiers: Orphanet 140162, MedGen C0027672, MeSH D009386, MONDO:0015356.
Ataxia-telangiectasia syndrome (AT). Also called: Cerebello-oculocutaneous telangiectasia; Immunodeficiency with ataxia telangiectasia; Ataxia-telangiectasia, complementation group D; AT, COMPLEMENTATION GROUP C; Ataxia-telangiectasia, complementation group E; LOUIS-BAR SYNDROME. Identifiers: Orphanet 100, MedGen C0004135, MONDO:0008840, OMIM 208900.

Allele frequency attached by ClinVar (database versions not stated): TOPMed below 0.00001; gnomAD exomes 0.00001 and 0.00002; ExAC 0.00002.
gnomAD v4.1: 4 of 1,594,016 alleles (0.00025%); highest among the groups gnomAD compares: Non-Finnish European, 0.00034%; no homozygotes.

Submissions (5):

Quest Diagnostics Nichols Institute San Juan Capistrano
Classification: Uncertain significance. Last evaluated: 2025-03-04. Review status: criteria provided, single submitter. Criteria: Quest Diagnostics criteria. Collection method: clinical testing. Allele origin: unknown.

Labcorp Genetics (formerly Invitae), Labcorp
Classification: Uncertain significance for Ataxia-telangiectasia syndrome. Last evaluated: 2025-01-15. Review status: criteria provided, single submitter. Criteria: Invitae Variant Classification Sherloc (09022015). Collection method: clinical testing. Allele origin: germline.
Comment: This sequence change replaces asparagine, which is neutral and polar, with lysine, which is basic and polar, at codon 1554 of the ATM protein (p.Asn1554Lys). This variant is present in population databases (rs776761757, gnomAD 0.004%). This variant has not been reported in the literature in individuals affected with ATM-related conditions. ClinVar contains an entry for this variant (Variation ID: 453533). Invitae Evidence Modeling of protein sequence and biophysical properties (such as structural, functional, and spatial information, amino acid conservation, physicochemical variation, residue mobility, and thermodynamic stability) indicates that this missense variant is not expected to disrupt ATM protein function with a negative predictive value of 95%. In summary, the available evidence is currently insufficient to determine the role of this variant in disease. Therefore, it has been classified as a Variant of Uncertain Significance.

Ambry Genetics
Classification: Uncertain significance for Hereditary cancer-predisposing syndrome. Last evaluated: 2024-10-05. Review status: criteria provided, single submitter. Criteria: Ambry Variant Classification Scheme 2023. Collection method: clinical testing. Allele origin: germline.
Comment: The p.N1554K variant (also known as c.4662C>A), located in coding exon 30 of the ATM gene, results from a C to A substitution at nucleotide position 4662. The asparagine at codon 1554 is replaced by lysine, an amino acid with similar properties. This amino acid position is conserved. In addition, this alteration is predicted to be tolerated by in silico analysis. Based on the available evidence, the clinical significance of this variant remains unclear.

GeneDx
Classification: Uncertain significance. Last evaluated: 2023-08-22. Review status: criteria provided, single submitter. Criteria: GeneDx Variant Classification Process June 2021. Collection method: clinical testing. Allele origin: germline. Affected: yes.
Comment: Not observed at significant frequency in large population cohorts (gnomAD); In silico analysis supports that this missense variant does not alter protein structure/function; Has not been previously published as pathogenic or benign to our knowledge

Natera, Inc.
Classification: Uncertain significance for Ataxia-telangiectasia. Last evaluated: 2019-10-28. Review status: no assertion criteria provided. Collection method: clinical testing. Allele origin: germline. Not counted in ClinVar's aggregate classification.